The following is an entry in ClinVar:

NM_015311.3(OBSL1):c.1664G>A (p.Arg555Gln)

Gene: OBSL1 (obscurin like cytoskeletal adaptor 1; minus strand). Cytogenetic location: 2q35.
Variant type: single nucleotide variant.
Coding change: c.1664G>A on transcript NM_015311.3 (MANE Select); coding-DNA position 1664, G replaced by A.
Protein change: p.Arg555Gln; replaces arginine 555 with glutamine.
Molecular consequence: missense variant.
Genome position (GRCh38, 1-based): chr2:219,567,446, C>T on the plus strand (G>A on the coding strand, the complement: OBSL1 is on the minus strand). VCF-style: chr2-219567446-C-T. GRCh37 (hg19) VCF-style: chr2-220432168-C-T.
Other names: c.1664G>A (NM_015311.2); c.1664G>A, p.Arg555Gln (NM_001173408.2, NM_001173431.2); short protein forms R555Q.
Identifiers: ClinVar variation 1522603 (VCV001522603.10), dbSNP rs200343179, ClinGen allele CA2131465.

ClinVar aggregate classification (germline): Uncertain significance. Review status: criteria provided, multiple submitters, no conflicts (2 of 4 stars). 4 submissions from 4 submitters: Uncertain significance (4). Last evaluated 2025-10-22.

Conditions:
Inborn genetic diseases. Identifiers: MedGen C0950123, MeSH D030342.

Allele frequency attached by ClinVar (database versions not stated): gnomAD exomes 0.00006; ExAC 0.00007; gnomAD 0.00023 and 0.00026; TOPMed 0.00030; ESP Exome Variant Server 0.00040.
gnomAD v4.1: 86 of 1,613,358 alleles (0.0053%); highest among the groups gnomAD compares: African/African-American, 0.068%; no homozygotes.

Submissions (4):

Ambry Genetics
Classification: Uncertain significance for Inborn genetic diseases. Last evaluated: 2025-10-22. Review status: criteria provided, single submitter. Criteria: Ambry Variant Classification Scheme 2023. Collection method: clinical testing. Allele origin: germline.

Blueprint Genetics
Classification: Uncertain significance. Last evaluated: 2024-09-05. Review status: criteria provided, single submitter. Criteria: ACMG Guidelines, 2015. Collection method: clinical testing. Allele origin: germline.

Labcorp Genetics (formerly Invitae), Labcorp
Classification: Uncertain significance. Last evaluated: 2021-12-07. Review status: criteria provided, single submitter. Criteria: Invitae Variant Classification Sherloc (09022015). Collection method: clinical testing. Allele origin: germline.
Comment: This sequence change replaces arginine, which is basic and polar, with glutamine, which is neutral and polar, at codon 555 of the OBSL1 protein (p.Arg555Gln). This variant is present in population databases (rs200343179, gnomAD 0.07%). This variant has not been reported in the literature in individuals affected with OBSL1-related conditions. Algorithms developed to predict the effect of missense changes on protein structure and function are either unavailable or do not agree on the potential impact of this missense change (SIFT: "Tolerated"; PolyPhen-2: "Probably Damaging"; Align-GVGD: "Class C0"). In summary, the available evidence is currently insufficient to determine the role of this variant in disease. Therefore, it has been classified as a Variant of Uncertain Significance.

Breakthrough Genomics
Classification: Uncertain significance. Review status: criteria provided, single submitter. Criteria: ACMG Guidelines, 2015. Collection method: not provided. Allele origin: germline. Inheritance: Autosomal recessive inheritance. Affected: yes.